The following is an entry in ClinVar:

ClinVar aggregate classification (germline): Uncertain significance (1 of 4 stars; one submission).

Conditions:
Primary ciliary dyskinesia. Also called: Ciliary dyskinesia. Identifiers: Orphanet 244, MedGen C0008780, MONDO:0016575, HP:0012265.

Submission:

Labcorp Genetics (formerly Invitae), Labcorp
Classification: Uncertain significance for Primary ciliary dyskinesia. Last evaluated: 2025-10-23. Review status: criteria provided, single submitter. Criteria: Invitae Variant Classification Sherloc (09022015). Collection method: clinical testing. Allele origin: germline.
Comment: This variant, c.1303_1462delinsAATG, is a complex sequence change that results in the deletion of 54 and insertion of 2 amino acid(s) in the DNAAF1 protein (p.Asp435_Arg488delinsAsnGly). This variant is not present in population databases (gnomAD no frequency). This variant has not been reported in the literature in individuals affected with DNAAF1-related conditions. Experimental studies and prediction algorithms are not available or were not evaluated, and the functional significance of this variant is currently unknown. In summary, the available evidence is currently insufficient to determine the role of this variant in disease. Therefore, it has been classified as a Variant of Uncertain Significance.

NM_178452.6(DNAAF1):c.1303_1462delinsAATG (p.Asp435_Arg488delinsAsnGly)

Gene: DNAAF1 (dynein axonemal assembly factor 1; plus strand). Cytogenetic location: 16q24.1.
Variant type: Indel.
Coding change: c.1303_1462delinsAATG on transcript NM_178452.6 (MANE Select); coding-DNA positions 1303 to 1462, the reference bases replaced by AATG.
Protein change: p.Asp435_Arg488delinsAsnGly.
Molecular consequence: inframe indel.
Genome position (GRCh38, 1-based): chr16:84,170,131-84,170,290, 160 bases replaced. GRCh37 (hg19): chr16:84,203,737-84,203,896.
Other names: c.595_754delinsAATG, p.Asp199_Arg252delinsAsnGly (NM_001318756.1).
Identifiers: ClinVar variation 4729759 (VCV004729759.1).